The following is an entry in ClinVar:

NM_005061.3(RPL3L):c.722C>T (p.Pro241Leu)

Gene: RPL3L (ribosomal protein L3 like; minus strand). Cytogenetic location: 16p13.3.
Variant type: single nucleotide variant.
Coding change: c.722C>T on transcript NM_005061.3 (MANE Select); coding-DNA position 722, C replaced by T.
Protein change: p.Pro241Leu; replaces proline 241 with leucine.
Molecular consequence: missense variant.
Genome position (GRCh38, 1-based): chr16:1,947,065, G>A on the plus strand (C>T on the coding strand, the complement: RPL3L is on the minus strand). VCF-style: chr16-1947065-G-A. GRCh37 (hg19) VCF-style: chr16-1997066-G-A.
Other names: short protein forms P241L.
Identifiers: ClinVar variation 1699411 (VCV001699411.4), dbSNP rs748822456, ClinGen allele CA7822771.
Genomic context (GRCh38, chr16:1,947,065, plus strand): 5'-CGGGCGGGGTGCCAGGCGCCAATGCAGGCCACCTTGCGCAGGCCCTTATGGGTCTTCCGC[G>A]GCAGCTTCTTGGTATGCCAGCGGCTTGTGACCCCTGTGAGTGAGAGGGGCTGGTGGCTGA-3'
Protein context (NP_005052.1, residues 231-251): VTSRWHTKKL[Pro241Leu]RKTHKGLRKV

ClinVar aggregate classification (germline): Uncertain significance. Review status: criteria provided, multiple submitters, no conflicts (2 of 4 stars). 2 submissions from 2 submitters: Uncertain significance (2). Last evaluated 2025-01-27.

Conditions:
Cardiomyopathy (CMYO). Also called: Cardiomyopathies. Identifiers: Orphanet 167848, MedGen C0878544, MONDO:0004994, HP:0001638. Inheritance: Various modes of inheritance.

Allele frequency attached by ClinVar (database versions not stated): ExAC 0.00003; gnomAD exomes 0.00005 and 0.00008; TOPMed 0.00006; gnomAD 0.00007.

Submissions (2):

Ambry Genetics
Classification: Uncertain significance. Last evaluated: 2025-01-27. Review status: criteria provided, single submitter. Criteria: Ambry Variant Classification Scheme 2023. Collection method: clinical testing. Allele origin: germline.

Victorian Clinical Genetics Services, Murdoch Childrens Research Institute
Classification: Uncertain significance for Cardiomyopathy. Last evaluated: 2021-05-06. Review status: criteria provided, single submitter. Criteria: ACMG Guidelines, 2015. Collection method: clinical testing. Allele origin: germline. Inheritance: Autosomal recessive inheritance.
Comment: Based on the classification scheme VCGS_Germline_v1.3.4, this variant is classified as VUS-3B. Following criteria are met: 0105 - The mechanism of disease for this gene is not clearly established. (I) 0106 - This gene is associated with autosomal recessive disease (PMID: 32514796, PMID: 32870709). (I) 0200 - Variant is predicted to result in a missense amino acid change from proline to leucine. (I) 0251 - This variant is heterozygous. (I) 0304 - Variant is present in gnomAD (v2) <0.01 for a recessive condition (19 heterozygotes, 0 homozygotes). (SP) 0502 - Missense variant with conflicting in silico predictions and uninformative conservation. (I) 0600 - Variant is located in the annotated RPL3L domain (PMID: 32514796). (I) 0705 - No comparable missense variants have previous evidence for pathogenicity. (I) 0807 - This variant has no previous evidence of pathogenicity. (I) 0905 - No published segregation evidence has been identified for this variant. (I) 1007 - No published functional evidence has been identified for this variant. (I) 1208 - Inheritance information for this variant is not currently available in this individual. (I) Legend: (SP) - Supporting pathogenic, (I) - Information, (SB) - Supporting benign

Literature cited by the submitters: PubMed 32514796 (cited by Victorian Clinical Genetics Services, Murdoch Childrens Research Institute); PubMed 32870709 (cited by Victorian Clinical Genetics Services, Murdoch Childrens Research Institute).